The following is an entry in ClinVar:

ClinVar aggregate classification (germline): Uncertain significance (1 of 4 stars; one submission).

Conditions:
RYR1-related disorder. Also called: RYR1-related disorders; RYR1-related condition. Identifiers: MedGen CN239331.

Submission:

Labcorp Genetics (formerly Invitae), Labcorp
Classification: Uncertain significance for RYR1-related disorder. Last evaluated: 2022-11-15. Review status: criteria provided, single submitter. Criteria: Invitae Variant Classification Sherloc (09022015). Collection method: clinical testing. Allele origin: germline.
Comment: In summary, the available evidence is currently insufficient to determine the role of this variant in disease. Therefore, it has been classified as a Variant of Uncertain Significance. Advanced modeling of protein sequence and biophysical properties (such as structural, functional, and spatial information, amino acid conservation, physicochemical variation, residue mobility, and thermodynamic stability) performed at Invitae indicates that this missense variant is not expected to disrupt RYR1 protein function. ClinVar contains an entry for this variant (Variation ID: 970187). This variant has not been reported in the literature in individuals affected with RYR1-related conditions. This variant is not present in population databases (gnomAD no frequency). This sequence change replaces glutamine, which is neutral and polar, with glutamic acid, which is acidic and polar, at codon 2487 of the RYR1 protein (p.Gln2487Glu).

NM_000540.3(RYR1):c.7459C>G (p.Gln2487Glu)

Gene: RYR1 (ryanodine receptor 1; plus strand). Cytogenetic location: 19q13.2.
Variant type: single nucleotide variant.
Coding change: c.7459C>G on transcript NM_000540.3 (MANE Select); coding-DNA position 7459, C replaced by G.
Protein change: p.Gln2487Glu; replaces glutamine 2487 with glutamic acid.
Molecular consequence: missense variant.
Genome position (GRCh38, 1-based): chr19:38,500,835, C>G. VCF-style: chr19-38500835-C-G. GRCh37 (hg19) VCF-style: chr19-38991475-C-G.
Other names: c.7459C>G, p.Gln2487Glu (NM_001042723.2); short protein forms Q2487E.
Identifiers: ClinVar variation 970187 (VCV000970187.10), dbSNP rs749392499, ClinGen allele CA405670247.